The following is an entry in ClinVar:

ClinVar aggregate classification (germline): Conflicting classifications of pathogenicity. Review status: criteria provided, conflicting classifications (1 of 4 stars). 6 submissions from 6 submitters: Uncertain significance (5); Likely benign (1). Last evaluated 2026-01-19.

Conditions:
Cardiovascular phenotype. Identifiers: MedGen CN230736.
Alstrom syndrome (ALMS). Identifiers: Orphanet 64, MedGen C0268425, MONDO:0008763, OMIM 203800.

Allele frequency attached by ClinVar (database versions not stated): gnomAD exomes 0.00001 and 0.00002; TOPMed 0.00009; ExAC 0.00012; gnomAD 0.00012 and 0.00013.
gnomAD v4.1: 37 of 1,551,720 alleles (0.0024%); highest among the groups gnomAD compares: Middle Eastern, 0.083%; no homozygotes.

Submissions (6):

Labcorp Genetics (formerly Invitae), Labcorp
Classification: Uncertain significance for Alstrom syndrome. Last evaluated: 2026-01-19. Review status: criteria provided, single submitter. Criteria: Invitae Variant Classification Sherloc (09022015). Collection method: clinical testing. Allele origin: germline.
Comment: This sequence change replaces valine, which is neutral and non-polar, with leucine, which is neutral and non-polar, at codon 42 of the ALMS1 protein (p.Val42Leu). This variant is present in population databases (rs201868751, gnomAD 0.02%). This variant has not been reported in the literature in individuals affected with ALMS1-related conditions. ClinVar contains an entry for this variant (Variation ID: 1326045). Experimental studies and prediction algorithms are not available or were not evaluated, and the functional significance of this variant is currently unknown. In summary, the available evidence is currently insufficient to determine the role of this variant in disease. Therefore, it has been classified as a Variant of Uncertain Significance.

Ambry Genetics
Classification: Likely benign for Cardiovascular phenotype. Last evaluated: 2025-07-10. Review status: criteria provided, single submitter. Criteria: Ambry Variant Classification Scheme 2023. Collection method: clinical testing. Allele origin: germline.

Blueprint Genetics
Classification: Uncertain significance. Last evaluated: 2024-02-22. Review status: criteria provided, single submitter. Criteria: ACMG Guidelines, 2015. Collection method: clinical testing. Allele origin: germline.

GeneDx
Classification: Uncertain significance. Last evaluated: 2023-05-30. Review status: criteria provided, single submitter. Criteria: GeneDx Variant Classification Process June 2021. Collection method: clinical testing. Allele origin: germline. Affected: yes.
Comment: In silico analysis supports that this missense variant does not alter protein structure/function; Has not been previously published as pathogenic or benign to our knowledge

Department of Pathology and Laboratory Medicine, Sinai Health System
Classification: Uncertain significance for Alstrom syndrome. Last evaluated: 2022-09-16. Review status: criteria provided, single submitter. Criteria: ACMG Guidelines, 2015. Collection method: research. Allele origin: germline.

Fulgent Genetics
Classification: Uncertain significance for Alstrom syndrome. Last evaluated: 2021-09-28. Review status: criteria provided, single submitter. Criteria: ACMG Guidelines, 2015. Collection method: clinical testing. Allele origin: unknown.

NM_001378454.1(ALMS1):c.121G>C (p.Val41Leu)

Gene: ALMS1 (ALMS1 centrosome and basal body associated protein; plus strand). Cytogenetic location: 2p13.1.
Variant type: single nucleotide variant.
Coding change: c.121G>C on transcript NM_001378454.1 (MANE Select); coding-DNA position 121, G replaced by C.
Protein change: p.Val41Leu; replaces valine 41 with leucine.
Molecular consequence: missense variant.
Genome position (GRCh38, 1-based): chr2:73,385,989, G>C. VCF-style: chr2-73385989-G-C. GRCh37 (hg19) VCF-style: chr2-73613117-G-C.
Other names: c.124G>C, p.Val42Leu (NM_015120.4); short protein forms V41L, V42L.
Identifiers: ClinVar variation 1326045 (VCV001326045.15), dbSNP rs201868751, ClinGen allele CA1712743.
Genomic context (GRCh38, chr2:73,385,989, plus strand): 5'-GAGGAGGAGGAGGAAGAGGAGGAGGCTGCAGCGGCGGCGGCGGCGAACGTGGACGACGTA[G>C]TGGTCGTGGAGGAGGTGGAGGAAGAGGCGGGGCGGGAGTTGGACTCCGACTCTCACTACG-3'
Protein context (NP_001365383.1, residues 31-51): AAAAANVDDV[Val41Leu]VVEEVEEEAG